The following is an entry in ClinVar:

ClinVar aggregate classification (germline): Likely benign (1 of 4 stars; one submission).

Allele frequency attached by ClinVar (database versions not stated): ExAC 0.00012; 1000 Genomes Project 30x 0.00031.

Submission:

CeGaT Center for Human Genetics Tuebingen
Classification: Likely benign. Last evaluated: 2025-04-01. Review status: criteria provided, single submitter. Criteria: CeGaT Center For Human Genetics Tuebingen Variant Classification Criteria Version 2. Collection method: clinical testing. Allele origin: germline. Affected: yes. Observed: 2 variant alleles.
Comment: AHNAK2: BP4, BP7

NM_138420.4(AHNAK2):c.12429C>T (p.Phe4143=)

Gene: AHNAK2 (AHNAK nucleoprotein 2; minus strand). Cytogenetic location: 14q32.33.
Variant type: single nucleotide variant.
Coding change: c.12429C>T on transcript NM_138420.4 (MANE Select); coding-DNA position 12429, C replaced by T.
Protein change: p.Phe4143=; no amino-acid change (phenylalanine 4143 retained).
Molecular consequence: synonymous variant.
Genome position (GRCh38, 1-based): chr14:104,943,022, G>A on the plus strand (C>T on the coding strand, the complement: AHNAK2 is on the minus strand). VCF-style: chr14-104943022-G-A. GRCh37 (hg19) VCF-style: chr14-105409359-G-A.
Other names: c.12129C>T, p.Phe4043= (NM_001350929.2).
Identifiers: ClinVar variation 3234168 (VCV003234168.20), dbSNP rs752543917, ClinGen allele CA7378351.
Genomic context (GRCh38, chr14:104,943,022, plus strand): 5'-CGCCTTCAGCTCAGACACATCCACGGACGCCTCCATGGACTTGCCTGGGGCCGACACCCC[G>A]AATGATGGCATCTTGAACTTGGGCATTTTGAACTTGCTGTCTTTGGCAGTCACATCCTTG-3'
Protein context (NP_612429.2, residues 4133-4153): FKMPKFKMPS[Phe4143=]GVSAPGKSME